The following is an entry in ClinVar:

ClinVar aggregate classification (germline): Pathogenic. Review status: reviewed by expert panel (3 of 4 stars). 2 submissions from 2 submitters: Pathogenic (1). 1 of the submissions does not count toward it. Last evaluated 2017-12-15.

Conditions:
Familial cancer of breast. Also called: hereditary breast carcinoma; BREAST CANCER, FAMILIAL; Hereditary breast cancer. Identifiers: Orphanet 227535, MedGen C0346153, MONDO:0016419, OMIM 114480. Disease mechanism: loss of function.
Breast-ovarian cancer, familial, susceptibility to, 1 (BROVCA1). Also called: BRCA1 Hereditary Breast and Ovarian Cancer; OVARIAN CANCER, SUSCEPTIBILITY TO. Identifiers: Orphanet 145, MedGen C2676676, MONDO:0011450, OMIM 604370. Disease mechanism: loss of function.

Submissions (2):

Evidence-based Network for the Interpretation of Germline Mutant Alleles (ENIGMA)
Classification: Pathogenic for Breast-ovarian cancer, familial, susceptibility to, 1. Last evaluated: 2017-12-15. Review status: reviewed by expert panel. Criteria: ENIGMA BRCA1/2 Classification Criteria (2017-06-29). Collection method: curation. Allele origin: germline. Study: ENIGMA.
Comment: Variant allele predicted to encode a truncated non-functional protein.

ClinVar Staff, National Center for Biotechnology Information (NCBI)
No classification provided. Condition: Familial cancer of breast. Review status: no classification provided. Collection method: literature only. Allele origin: germline. Affected: yes. Not counted in ClinVar's aggregate classification.

Literature cited by the submitters: PubMed 9150151 (cited by ClinVar Staff, National Center for Biotechnology Information (NCBI)).

NM_007294.4(BRCA1):c.5270_5276del (p.Asp1757fs)

Gene: BRCA1 (BRCA1 DNA repair associated; minus strand). Cytogenetic location: 17q21.31.
Variant type: Deletion.
Coding change: c.5270_5276del on transcript NM_007294.4 (MANE Select); coding-DNA positions 5270 to 5276, 7 bases deleted (ACAGAAA; older notation c.5270_5276delACAGAAA).
Protein change: p.Asp1757fs; shifts the reading frame from aspartic acid 1757.
Molecular consequence: frameshift variant. On other transcripts: non-coding transcript variant (1).
Genome position (GRCh38, 1-based): chr17:43,057,053-43,057,059, TTTCTGT deleted on the plus strand (ACAGAAA on the coding strand, the reverse complement: BRCA1 is on the minus strand). VCF-style (leftmost placement, unchanged base first): chr17-43057052-CTTTCTGT-C. GRCh37 (hg19) VCF-style: chr17-41209069-CTTTCTGT-C.
Other names: c.1832_1838delACAGAAA, p.Asp611Glyfs (NM_001408450.1, NM_001408445.1, NM_001408446.1 and 2 more transcripts); c.1826_1832delACAGAAA, p.Asp609Glyfs (NM_001408451.1); c.1820_1826delACAGAAA, p.Asp607Glyfs (NM_001408452.1, NM_001408453.1, NM_001408454.1 and 3 more transcripts); c.1817_1823delACAGAAA, p.Asp606Glyfs (NM_001408458.1, NM_001408459.1, NM_001408460.1 and 7 more transcripts); c.1814_1820delACAGAAA, p.Asp605Glyfs (NM_001408468.1, NM_001408469.1, NM_001408470.1); c.1958_1964delACAGAAA, p.Asp653Glyfs (NM_001408472.1, NM_007298.4, NM_007304.2 and 12 more transcripts); c.1955_1961delACAGAAA, p.Asp652Glyfs (NM_001408473.1, NM_001408392.1, NM_001408396.1 and 8 more transcripts); c.1760_1766delACAGAAA, p.Asp587Glyfs (NM_001408474.1); and 75 more; short protein forms D1710fs, D653fs, D1757fs, D1778fs.
Identifiers: ClinVar variation 55492 (VCV000055492.3), dbSNP rs397509248, ClinGen allele CA003413.